The following is an entry in ClinVar:

ClinVar aggregate classification (germline): Uncertain significance. Review status: criteria provided, multiple submitters, no conflicts (2 of 4 stars). 5 submissions from 5 submitters: Uncertain significance (4). 1 of the submissions does not count toward it. Last evaluated 2025-12-16.

Conditions:
BBS2-related disorder. Also called: BBS2-related condition; BBS2-related disorders. Identifiers: MedGen CN239228.
Inborn genetic diseases. Identifiers: MedGen C0950123, MeSH D030342.
Bardet-Biedl syndrome (BBS). Identifiers: Orphanet 110, MedGen C0752166, MONDO:0015229.
Bardet-Biedl syndrome 2 (BBS2). Identifiers: Orphanet 110, MedGen C2936863, MONDO:0014432, OMIM 615981.

Submissions (5):

Ambry Genetics
Classification: Uncertain significance for Inborn genetic diseases. Last evaluated: 2025-12-16. Review status: criteria provided, single submitter. Criteria: Ambry Variant Classification Scheme 2023. Collection method: clinical testing. Allele origin: germline.

PreventionGenetics, part of Exact Sciences
Classification: Uncertain significance for BBS2-related condition. Last evaluated: 2025-09-29. Review status: criteria provided, single submitter. Criteria: ACMG Guidelines, 2015. Collection method: clinical testing. Allele origin: germline.
Comment: The BBS2 c.55G>A variant is predicted to result in the amino acid substitution p.Val19Met. To our knowledge, this variant has not been reported in the literature or in a large population database (gnomAD), indicating this variant is rare. At this time, the clinical significance of this variant is uncertain due to the absence of conclusive functional and genetic evidence.

Blueprint Genetics
Classification: Uncertain significance. Last evaluated: 2022-12-01. Review status: criteria provided, single submitter. Criteria: ACMG Guidelines, 2015. Collection method: clinical testing. Allele origin: germline.

Labcorp Genetics (formerly Invitae), Labcorp
Classification: Uncertain significance for Bardet-Biedl syndrome. Last evaluated: 2021-09-01. Review status: criteria provided, single submitter. Criteria: Invitae Variant Classification Sherloc (09022015). Collection method: clinical testing. Allele origin: germline.
Comment: This sequence change replaces valine with methionine at codon 19 of the BBS2 protein (p.Val19Met). The valine residue is highly conserved and there is a small physicochemical difference between valine and methionine. This variant is not present in population databases (ExAC no frequency). This variant has not been reported in the literature in individuals affected with BBS2-related conditions. Algorithms developed to predict the effect of missense changes on protein structure and function are either unavailable or do not agree on the potential impact of this missense change (SIFT: "Deleterious"; PolyPhen-2: "Probably Damaging"; Align-GVGD: "Class C0"). In summary, the available evidence is currently insufficient to determine the role of this variant in disease. Therefore, it has been classified as a Variant of Uncertain Significance.

Natera, Inc.
Classification: Uncertain significance for Bardet-Biedl syndrome type 2. Last evaluated: 2021-05-13. Review status: no assertion criteria provided. Collection method: clinical testing. Allele origin: germline. Not counted in ClinVar's aggregate classification.

NM_031885.5(BBS2):c.55G>A (p.Val19Met)

Gene: BBS2 (Bardet-Biedl syndrome 2; minus strand). Cytogenetic location: 16q13.
Variant type: single nucleotide variant.
Coding change: c.55G>A on transcript NM_031885.5 (MANE Select); coding-DNA position 55, G replaced by A.
Protein change: p.Val19Met; replaces valine 19 with methionine.
Molecular consequence: missense variant. On other transcripts: non-coding transcript variant (5).
Genome position (GRCh38, 1-based): chr16:56,519,808, C>T on the plus strand (G>A on the coding strand, the complement: BBS2 is on the minus strand). VCF-style: chr16-56519808-C-T. GRCh37 (hg19) VCF-style: chr16-56553720-C-T.
Other names: c.55G>A, p.Val19Met (NM_001377456.1); c.55G>A (NM_031885.3); short protein forms V19M.
Identifiers: ClinVar variation 1006657 (VCV001006657.10), dbSNP rs1158566793, ClinGen allele CA395988155.